The following is an entry in ClinVar:

ClinVar aggregate classification (germline): Uncertain significance (1 of 4 stars; one submission).

Allele frequency attached by ClinVar (database versions not stated): gnomAD exomes 0.00001 and 0.00002; TOPMed 0.00002; ExAC 0.00003; gnomAD 0.00003; ESP Exome Variant Server 0.00008; 1000 Genomes Project 0.00020; 1000 Genomes Project 30x 0.00031.
gnomAD v4.1: 23 of 1,613,190 alleles (0.0014%); highest among the groups gnomAD compares: African/African-American, 0.0053%; no homozygotes.

Submission:

Labcorp Genetics (formerly Invitae), Labcorp
Classification: Uncertain significance. Last evaluated: 2025-02-01. Review status: criteria provided, single submitter. Criteria: Invitae Variant Classification Sherloc (09022015). Collection method: clinical testing. Allele origin: germline.
Comment: This sequence change replaces arginine, which is basic and polar, with cysteine, which is neutral and slightly polar, at codon 702 of the MYO7A protein (p.Arg702Cys). This variant is present in population databases (rs377529562, gnomAD 0.007%). This variant has not been reported in the literature in individuals affected with MYO7A-related conditions. ClinVar contains an entry for this variant (Variation ID: 1412877). Invitae Evidence Modeling of protein sequence and biophysical properties (such as structural, functional, and spatial information, amino acid conservation, physicochemical variation, residue mobility, and thermodynamic stability) indicates that this missense variant is expected to disrupt MYO7A protein function with a positive predictive value of 95%. In summary, the available evidence is currently insufficient to determine the role of this variant in disease. Therefore, it has been classified as a Variant of Uncertain Significance.

NM_000260.4(MYO7A):c.2104C>T (p.Arg702Cys)

Gene: MYO7A (myosin VIIA; plus strand). Cytogenetic location: 11q13.5.
Variant type: single nucleotide variant.
Coding change: c.2104C>T on transcript NM_000260.4 (MANE Select); coding-DNA position 2104, C replaced by T.
Protein change: p.Arg702Cys; replaces arginine 702 with cysteine.
Molecular consequence: missense variant.
Genome position (GRCh38, 1-based): chr11:77,175,381, C>T. VCF-style: chr11-77175381-C-T. GRCh37 (hg19) VCF-style: chr11-76886427-C-T.
Other names: c.2104C>T, p.Arg702Cys (NM_001127180.2); c.2071C>T, p.Arg691Cys (NM_001369365.1); short protein forms R691C, R702C.
Identifiers: ClinVar variation 1412877 (VCV001412877.4), dbSNP rs377529562, ClinGen allele CA6197706.
Genomic context (GRCh38, chr11:77,175,381, plus strand): 5'-TTCCCACTGGAGAGGCTGTCCATTCCCTTGTGTTCCCCATCCTCACTCCAGGGCGACCTC[C>T]GCGGGACTTGCCAGCGCATGGCTGAGGCTGTGCTGGGCACCCACGATGACTGGCAGATAG-3'
Protein context (NP_000251.3, residues 692-712): VKPAYKQGDL[Arg702Cys]GTCQRMAEAV